The following is an entry in ClinVar:

NM_198253.3(TERT):c.3340G>A (p.Ala1114Thr)

Gene: TERT (telomerase reverse transcriptase; minus strand). Cytogenetic location: 5p15.33.
Variant type: single nucleotide variant.
Coding change: c.3340G>A on transcript NM_198253.3 (MANE Select); coding-DNA position 3340, G replaced by A.
Protein change: p.Ala1114Thr; replaces alanine 1114 with threonine.
Molecular consequence: missense variant. On other transcripts: non-coding transcript variant (2).
Genome position (GRCh38, 1-based): chr5:1,253,787, C>T on the plus strand (G>A on the coding strand, the complement: TERT is on the minus strand). VCF-style: chr5-1253787-C-T. GRCh37 (hg19) VCF-style: chr5-1253902-C-T.
Other names: c.3151G>A, p.Ala1051Thr (NM_001193376.3); c.3340G>A, p.Ala1114Thr (NM_003219.1); short protein forms A1114T, A1051T.
Identifiers: ClinVar variation 2951749 (VCV002951749.3), dbSNP rs2478066310, ClinGen allele CA359066734.

ClinVar aggregate classification (germline): Uncertain significance (1 of 4 stars; one submission).

Conditions:
Dyskeratosis congenita, autosomal dominant 2. Identifiers: MedGen C3151443, MONDO:0013521, OMIM 613989.
Idiopathic Pulmonary Fibrosis. Also called: Idiopathic fibrosing alveolitis, chronic form; idiopathic fibrosing alveolitis. Identifiers: Orphanet 2032, MedGen C1800706, MeSH D054990, MONDO:0800504.

Submission:

Labcorp Genetics (formerly Invitae), Labcorp
Classification: Uncertain significance for Dyskeratosis congenita, autosomal dominant 2; Idiopathic Pulmonary Fibrosis. Last evaluated: 2023-09-08. Review status: criteria provided, single submitter. Criteria: Invitae Variant Classification Sherloc (09022015). Collection method: clinical testing. Allele origin: germline.
Comment: This sequence change replaces alanine, which is neutral and non-polar, with threonine, which is neutral and polar, at codon 1114 of the TERT protein (p.Ala1114Thr). This variant is not present in population databases (gnomAD no frequency). This variant has not been reported in the literature in individuals affected with TERT-related conditions. Advanced modeling of protein sequence and biophysical properties (such as structural, functional, and spatial information, amino acid conservation, physicochemical variation, residue mobility, and thermodynamic stability) performed at Invitae indicates that this missense variant is not expected to disrupt TERT protein function. In summary, the available evidence is currently insufficient to determine the role of this variant in disease. Therefore, it has been classified as a Variant of Uncertain Significance.